The following is an entry in ClinVar:

ClinVar aggregate classification (germline): Likely benign (0 of 4 stars; one submission).

Conditions:
CFAP47-related disorder. Also called: CFAP47-related condition.

Allele frequency attached by ClinVar (database versions not stated): ExAC 0.00092; gnomAD 0.00183; TOPMed 0.00207; 1000 Genomes Project 0.00238; 1000 Genomes Project 30x 0.00312; ESP Exome Variant Server 0.00312.
gnomAD v4.1: 424 of 1,203,371 alleles (0.035%); highest among the groups gnomAD compares: African/African-American, 0.62%; 1 homozygote.

Submission:

PreventionGenetics, part of Exact Sciences
Classification: Likely benign for CFAP47-related condition. Last evaluated: 2021-11-01. Review status: no assertion criteria provided. Collection method: clinical testing. Allele origin: germline.
Comment: This variant is classified as likely benign based on ACMG/AMP sequence variant interpretation guidelines (Richards et al. 2015 PMID: 25741868, with internal and published modifications).

NM_001304548.2(CFAP47):c.10C>T (p.Gln4Ter)

Gene: CFAP47 (cilia and flagella associated protein 47; plus strand). Cytogenetic location: Xp21.1.
Variant type: single nucleotide variant.
Coding change: c.10C>T on transcript NM_001304548.2 (MANE Select); coding-DNA position 10, C replaced by T.
Protein change: p.Gln4Ter; replaces glutamine 4 with a stop codon.
Molecular consequence: nonsense.
Genome position (GRCh38, 1-based): chrX:35,919,809, C>T. VCF-style: chrX-35919809-C-T. GRCh37 (hg19) VCF-style: chrX-35937926-C-T.
Other names: c.10C>T, p.Gln4Ter (NM_152632.4); short protein forms Q4*.
Identifiers: ClinVar variation 3054256 (VCV003054256.2), dbSNP rs141633156, ClinGen allele CA10381341.